The following is an entry in ClinVar:

NM_030665.4(RAI1):c.2879G>A (p.Arg960Gln)

Gene: RAI1 (retinoic acid induced 1; plus strand). Cytogenetic location: 17p11.2.
Variant type: single nucleotide variant.
Coding change: c.2879G>A on transcript NM_030665.4 (MANE Select); coding-DNA position 2879, G replaced by A.
Protein change: p.Arg960Gln; replaces arginine 960 with glutamine.
Molecular consequence: missense variant.
Genome position (GRCh38, 1-based): chr17:17,795,827, G>A. VCF-style: chr17-17795827-G-A. GRCh37 (hg19) VCF-style: chr17-17699141-G-A.
Other names: short protein forms R960Q.
Identifiers: ClinVar variation 1684126 (VCV001684126.10), dbSNP rs372921930, ClinGen allele CA8418622.
Genomic context (GRCh38, chr17:17,795,827, plus strand): 5'-GCTGGTTTGAGTCCTCTCTGTCACACATGAAGCCAGGTGAAGAGGGGCCTGATGGGGAGC[G>A]AGCTCCAGGGGATTCCACCACCTCGGACGCCTCTCTGGCCCAGAAGCCCAACAAGCCTGC-3'
Protein context (NP_109590.3, residues 950-970): KPGEEGPDGE[Arg960Gln]APGDSTTSDA

ClinVar aggregate classification (germline): Likely benign. Review status: criteria provided, multiple submitters, no conflicts (2 of 4 stars). 4 submissions from 4 submitters: Likely benign (3). 1 of the submissions does not count toward it. Last evaluated 2026-01-05.

Conditions:
RAI1-related disorder. Also called: RAI1-related condition.
Inborn genetic diseases. Identifiers: MedGen C0950123, MeSH D030342.

Allele frequency attached by ClinVar (database versions not stated): gnomAD 0.00003 and 0.00004; TOPMed 0.00004; ESP Exome Variant Server 0.00008; ExAC 0.00010; gnomAD exomes 0.00010.

Submissions (4):

Labcorp Genetics (formerly Invitae), Labcorp
Classification: Likely benign. Last evaluated: 2026-01-05. Review status: criteria provided, single submitter. Criteria: Invitae Variant Classification Sherloc (09022015). Collection method: clinical testing. Allele origin: germline.

Ambry Genetics
Classification: Likely benign for Inborn genetic diseases. Last evaluated: 2025-04-03. Review status: criteria provided, single submitter. Criteria: Ambry Variant Classification Scheme 2023. Collection method: clinical testing. Allele origin: germline.

GeneDx
Classification: Likely benign. Last evaluated: 2021-11-11. Review status: criteria provided, single submitter. Criteria: GeneDx Variant Classification Process June 2021. Collection method: clinical testing. Allele origin: germline. Affected: yes.
Comment: See Variant Classification Assertion Criteria.

PreventionGenetics, part of Exact Sciences
Classification: Likely benign for RAI1-related condition. Last evaluated: 2022-08-01. Review status: no assertion criteria provided. Collection method: clinical testing. Allele origin: germline. Not counted in ClinVar's aggregate classification.
Comment: This variant is classified as likely benign based on ACMG/AMP sequence variant interpretation guidelines (Richards et al. 2015 PMID: 25741868, with internal and published modifications).